The following is an entry in ClinVar:

NM_000719.7(CACNA1C):c.2961-19G>T

Gene: CACNA1C (calcium voltage-gated channel subunit alpha1 C; plus strand). Cytogenetic location: 12p13.33.
Variant type: single nucleotide variant.
Coding change: c.2961-19G>T on transcript NM_000719.7 (MANE Select); 19 bases into the intron before coding-DNA position 2961, G replaced by T.
Molecular consequence: intron variant.
Genome position (GRCh38, 1-based): chr12:2,605,062, G>T. VCF-style: chr12-2605062-G-T. GRCh37 (hg19) VCF-style: chr12-2714228-G-T.
Other names: c.2961-19G>T (NM_001167624.3, NM_001167623.2, NM_001167625.2 and 15 more transcripts); c.3021-19G>T (NM_199460.4, NM_001129827.2, NM_001129832.2); c.2952-19G>T (NM_001129844.2).
Identifiers: ClinVar variation 2797611 (VCV002797611.3), dbSNP rs755287470, ClinGen allele CA6389124.

ClinVar aggregate classification (germline): Uncertain significance (1 of 4 stars; one submission).

Conditions:
Long QT syndrome (LQTS). Identifiers: MedGen C0023976, MeSH D008133, MONDO:0002442. Disease mechanism: loss of function. Inheritance: Various modes of inheritance.

Allele frequency attached by ClinVar (database versions not stated): ExAC 0.00001.
gnomAD v4.1: 1 of 1,594,450 alleles (0.000063%); highest among the groups gnomAD compares: Non-Finnish European, 0.000086%; no homozygotes.

Submission:

Labcorp Genetics (formerly Invitae), Labcorp
Classification: Uncertain significance for Long QT syndrome. Last evaluated: 2023-02-16. Review status: criteria provided, single submitter. Criteria: Invitae Variant Classification Sherloc (09022015). Collection method: clinical testing. Allele origin: germline.
Comment: In summary, the available evidence is currently insufficient to determine the role of this variant in disease. Therefore, it has been classified as a Variant of Uncertain Significance. Algorithms developed to predict the effect of sequence changes on RNA splicing suggest that this variant may disrupt the consensus splice site. This sequence change falls in intron 22 of the CACNA1C gene. It does not directly change the encoded amino acid sequence of the CACNA1C protein. This variant is present in population databases (rs755287470, gnomAD 0.0009%). This variant has not been reported in the literature in individuals affected with CACNA1C-related conditions.